The following is an entry in ClinVar:

NC_000006.11:g.(?_64694256)_(64791915_?)dup

Gene: EYS (eyes shut homolog; minus strand). Cytogenetic location: 6q12.
Variant type: Duplication.
Identifiers: ClinVar variation 1459554 (VCV001459554.5).

ClinVar aggregate classification (germline): Pathogenic (1 of 4 stars; one submission).

Submission:

Labcorp Genetics (formerly Invitae), Labcorp
Classification: Pathogenic. Last evaluated: 2023-11-04. Review status: criteria provided, single submitter. Criteria: Invitae Variant Classification Sherloc (09022015). Collection method: clinical testing. Allele origin: germline.
Comment: This variant results in a copy number gain of the genomic region encompassing exon(s) 32-35 of the EYS gene. While the exact position of this variant cannot be determined from the data, sub-genic copy number gains are generally in tandem (PMID: 25640679). This variant is predicted to be out-of-frame, and may result in an absent or disrupted protein product. Loss-of-function variants in EYS are known to be pathogenic (PMID: 18836446, 20333770). A similar copy number variant has been observed in individuals with clinical features of retinitis pigmentosa (Invitae). For these reasons, this variant has been classified as Pathogenic.

Literature cited by the submitters: PubMed 25640679; PubMed 18836446; PubMed 20333770.